The following is an entry in ClinVar:

NM_004706.4(ARHGEF1):c.2655+4G>A

Gene: ARHGEF1 (Rho guanine nucleotide exchange factor 1; plus strand). Cytogenetic location: 19q13.2.
Variant type: single nucleotide variant.
Coding change: c.2655+4G>A on transcript NM_004706.4 (MANE Select); 4 bases into the intron after coding-DNA position 2655, G replaced by A.
Molecular consequence: intron variant.
Genome position (GRCh38, 1-based): chr19:41,906,624, G>A. VCF-style: chr19-41906624-G-A. GRCh37 (hg19) VCF-style: chr19-42410776-G-A.
Other names: c.2492-79G>A (NM_001396003.1, NM_001396006.1); c.2393-79G>A (NM_001396002.1, NM_001396004.1); c.2823+4G>A (NM_001396000.1); c.2556+4G>A (NM_198977.2); c.2700+4G>A (NM_199002.2).
Identifiers: ClinVar variation 3620414 (VCV003620414.2).

ClinVar aggregate classification (germline): Uncertain significance (1 of 4 stars; one submission).

gnomAD v4.1: 4 of 1,603,034 alleles (0.00025%); highest among the groups gnomAD compares: Admixed American, 0.0071%; no homozygotes.

Submission:

Labcorp Genetics (formerly Invitae), Labcorp
Classification: Uncertain significance. Last evaluated: 2024-03-16. Review status: criteria provided, single submitter. Criteria: Invitae Variant Classification Sherloc (09022015). Collection method: clinical testing. Allele origin: germline.
Comment: This sequence change falls in intron 27 of the ARHGEF1 gene. It does not directly change the encoded amino acid sequence of the ARHGEF1 protein. It affects a nucleotide within the consensus splice site. This variant is present in population databases (rs782386350, gnomAD 0.01%). This variant has not been reported in the literature in individuals affected with ARHGEF1-related conditions. Variants that disrupt the consensus splice site are a relatively common cause of aberrant splicing (PMID: 17576681, 9536098). Algorithms developed to predict the effect of sequence changes on RNA splicing suggest that this variant is not likely to affect RNA splicing. In summary, the available evidence is currently insufficient to determine the role of this variant in disease. Therefore, it has been classified as a Variant of Uncertain Significance.

Literature cited by the submitters: PubMed 17576681; PubMed 9536098.